The following is an entry in ClinVar:

NM_006060.6(IKZF1):c.320T>A (p.Val107Asp)

Gene: IKZF1 (IKAROS family zinc finger 1; plus strand). Cytogenetic location: 7p12.2.
Variant type: single nucleotide variant.
Coding change: c.320T>A on transcript NM_006060.6 (MANE Select); coding-DNA position 320, T replaced by A.
Protein change: p.Val107Asp; replaces valine 107 with aspartic acid.
Molecular consequence: missense variant. On other transcripts: intron variant (9).
Genome position (GRCh38, 1-based): chr7:50,376,692, T>A. VCF-style: chr7-50376692-T-A. GRCh37 (hg19) VCF-style: chr7-50444390-T-A.
Other names: c.320T>A, p.Val107Asp (NM_001220765.3, NM_001220768.2, NM_001220771.2 and 1 more transcripts); c.380T>A, p.Val127Asp (NM_001410879.1); c.161-5848T>A (NM_001291839.2, NM_001291838.2, NM_001220767.2 and 1 more transcripts); c.161-10653T>A (NM_001291841.1, NM_001291842.1); c.161-15037T>A (NM_001291843.1, NM_001291844.1); c.161-23226T>A (NM_001291840.1); short protein forms V107D, V127D.
Identifiers: ClinVar variation 2109732 (VCV002109732.4), dbSNP rs1584887968, ClinGen allele CA367527709.

ClinVar aggregate classification (germline): Uncertain significance (1 of 4 stars; one submission).

Submission:

Labcorp Genetics (formerly Invitae), Labcorp
Classification: Uncertain significance. Last evaluated: 2022-05-20. Review status: criteria provided, single submitter. Criteria: Invitae Variant Classification Sherloc (09022015). Collection method: clinical testing. Allele origin: germline.
Comment: This variant is not present in population databases (gnomAD no frequency). This sequence change replaces valine, which is neutral and non-polar, with aspartic acid, which is acidic and polar, at codon 107 of the IKZF1 protein (p.Val107Asp). This variant has not been reported in the literature in individuals affected with IKZF1-related conditions. In summary, the available evidence is currently insufficient to determine the role of this variant in disease. Therefore, it has been classified as a Variant of Uncertain Significance. Algorithms developed to predict the effect of missense changes on protein structure and function are either unavailable or do not agree on the potential impact of this missense change (SIFT: "Not Available"; PolyPhen-2: "Benign"; Align-GVGD: "Not Available").